The following is an entry in ClinVar:

ClinVar aggregate classification (germline): Uncertain significance (1 of 4 stars; one submission).

Conditions:
Hereditary cancer-predisposing syndrome. Also called: Neoplastic Syndromes, Hereditary; Tumor predisposition; Hereditary neoplastic syndrome; Hereditary Cancer Syndrome. Identifiers: Orphanet 140162, MedGen C0027672, MeSH D009386, MONDO:0015356.

Submission:

Ambry Genetics
Classification: Uncertain significance for Hereditary cancer-predisposing syndrome. Last evaluated: 2019-01-28. Review status: criteria provided, single submitter. Criteria: Ambry Variant Classification Scheme 2023. Collection method: clinical testing. Allele origin: germline.
Comment: The p.V148L variant (also known as c.442G>C), located in coding exon 3 of the CDK4 gene, results from a G to C substitution at nucleotide position 442. The valine at codon 148 is replaced by leucine, an amino acid with highly similar properties. This amino acid position is well conserved in available vertebrate species. In addition, the in silico prediction for this alteration is inconclusive. Since supporting evidence is limited at this time, the clinical significance of this alteration remains unclear.

NM_000075.4(CDK4):c.442G>C (p.Val148Leu)

Gene: CDK4 (cyclin dependent kinase 4; minus strand). Cytogenetic location: 12q14.1.
Variant type: single nucleotide variant.
Coding change: c.442G>C on transcript NM_000075.4 (MANE Select); coding-DNA position 442, G replaced by C.
Protein change: p.Val148Leu; replaces valine 148 with leucine.
Molecular consequence: missense variant.
Genome position (GRCh38, 1-based): chr12:57,751,003, C>G on the plus strand (G>C on the coding strand, the complement: CDK4 is on the minus strand). VCF-style: chr12-57751003-C-G. GRCh37 (hg19) VCF-style: chr12-58144786-C-G.
Other names: short protein forms V148L.
Identifiers: ClinVar variation 824884 (VCV000824884.4), dbSNP rs1595110489, ClinGen allele CA385546481.